The following is an entry in ClinVar:

NM_000540.3(RYR1):c.12823_12824delinsAT (p.Ala4275Met)

Gene: RYR1 (ryanodine receptor 1; plus strand). Cytogenetic location: 19q13.2.
Variant type: Indel.
Coding change: c.12823_12824delinsAT on transcript NM_000540.3 (MANE Select); coding-DNA positions 12823 to 12824, GC replaced by AT.
Protein change: p.Ala4275Met; replaces alanine 4275 with methionine.
Molecular consequence: missense variant.
Genome position (GRCh38, 1-based): chr19:38,565,157-38,565,158, GC replaced by AT. VCF-style: chr19-38565157-GC-AT. GRCh37 (hg19) VCF-style: chr19-39055797-GC-AT.
Other names: c.12808_12809delinsAT, p.Ala4270Met (NM_001042723.2); short protein forms A4270M, A4275M.
Identifiers: ClinVar variation 1418072 (VCV001418072.3), dbSNP rs2145843965, ClinGen allele CA2573156315.

ClinVar aggregate classification (germline): Uncertain significance (1 of 4 stars; one submission).

Conditions:
RYR1-related disorder. Also called: RYR1-related condition; RYR1-related disorders. Identifiers: MedGen CN239331.

Submission:

Labcorp Genetics (formerly Invitae), Labcorp
Classification: Uncertain significance for RYR1-related disorder. Last evaluated: 2022-06-05. Review status: criteria provided, single submitter. Criteria: Invitae Variant Classification Sherloc (09022015). Collection method: clinical testing. Allele origin: germline.
Comment: This sequence change replaces alanine, which is neutral and non-polar, with methionine, which is neutral and non-polar, at codon 4275 of the RYR1 protein (p.Ala4275Met). Information on the frequency of this variant in the gnomAD database is not available, as this variant may be reported differently in the database. This variant has not been reported in the literature in individuals affected with RYR1-related conditions. ClinVar contains an entry for this variant (Variation ID: 1418072). Experimental studies and prediction algorithms are not available or were not evaluated, and the functional significance of this variant is currently unknown. In summary, the available evidence is currently insufficient to determine the role of this variant in disease. Therefore, it has been classified as a Variant of Uncertain Significance.